The following is an entry in ClinVar:

NM_000219.6(KCNE1):c.286C>A (p.Gln96Lys)

Gene: KCNE1 (potassium voltage-gated channel subfamily E regulatory subunit 1; minus strand). Cytogenetic location: 21q22.12.
Variant type: single nucleotide variant.
Coding change: c.286C>A on transcript NM_000219.6 (MANE Select); coding-DNA position 286, C replaced by A.
Protein change: p.Gln96Lys; replaces glutamine 96 with lysine.
Molecular consequence: missense variant.
Genome position (GRCh38, 1-based): chr21:34,449,349, G>T on the plus strand (C>A on the coding strand, the complement: KCNE1 is on the minus strand). VCF-style: chr21-34449349-G-T. GRCh37 (hg19) VCF-style: chr21-35821647-G-T.
Other names: c.286C>A, p.Gln96Lys (NM_001127668.4, NM_001127669.4, NM_001127670.4 and 4 more transcripts); short protein forms Q96K.
Identifiers: ClinVar variation 3374536 (VCV003374536.2).

Conditions:
Long QT syndrome 5 (LQT5). Identifiers: Orphanet 101016, Orphanet 768, MedGen C1867904, MONDO:0013372, OMIM 613695.

Submission:

Roden Lab, Vanderbilt University Medical Center
No classification provided (evidence only). Condition: Long QT syndrome 5. Review status: no classification provided. Collection method: in vitro. Allele origin: not applicable. Functional consequence: Effect on ion channel function.
ClinVar note: "not provided" was previously submitted as the classification for the variant. However, the classification appeared to be based only on an observation of functional data so it was converted to no classification on 2025-07-30.